The following is an entry in ClinVar:

NM_000666.3(ACY1):c.437-2A>C

Genes: ABHD14A-ACY1 (ABHD14A-ACY1 readthrough; plus strand), ACY1 (aminoacylase 1; plus strand). Cytogenetic location: 3p21.2.
Variant type: single nucleotide variant.
Coding change: c.437-2A>C on transcript NM_000666.3 (MANE Select); the canonical splice acceptor site of the intron before coding-DNA position 437, A replaced by C.
Molecular consequence: splice acceptor variant. On other transcripts: intron variant (1).
Genome position (GRCh38, 1-based): chr3:51,986,413, A>C. VCF-style: chr3-51986413-A-C. GRCh37 (hg19) VCF-style: chr3-52020429-A-C.
Other names: c.707-2A>C (NM_001316331.2); c.437-2A>C (NM_001198897.2, NM_001198895.2); c.311-192A>C (NM_001198896.2); c.332-2A>C (NM_001198898.2).
Identifiers: ClinVar variation 5019491 (VCV005019491.2).

ClinVar aggregate classification (germline): Uncertain significance (1 of 4 stars; one submission).

Conditions:
Aminoacylase 1 deficiency. Also called: Neurological conditions associated with aminoacylase 1 deficiency. Identifiers: Orphanet 137754, MedGen C1835922, MONDO:0012368, OMIM 609924.

Submission:

Juno Genomics, Hangzhou Juno Genomics, Inc
Classification: Uncertain significance for Aminoacylase 1 deficiency. Review status: criteria provided, single submitter. Criteria: ACMG Guidelines, 2015. Collection method: clinical testing. Allele origin: germline.
Comment: Absent from controls (or at extremely low frequency if recessive) in Genome Aggregation Database.;Null variant in a gene where loss of function (LOF) is a known mechanism of disease.